The following is an entry in ClinVar:

NM_004204.5(PIGQ):c.874C>G (p.Leu292Val)

Gene: PIGQ (phosphatidylinositol glycan anchor biosynthesis class Q; plus strand). Cytogenetic location: 16p13.3.
Variant type: single nucleotide variant.
Coding change: c.874C>G on transcript NM_004204.5 (MANE Select); coding-DNA position 874, C replaced by G.
Protein change: p.Leu292Val; replaces leucine 292 with valine.
Molecular consequence: missense variant.
Genome position (GRCh38, 1-based): chr16:576,186, C>G. VCF-style: chr16-576186-C-G. GRCh37 (hg19) VCF-style: chr16-626186-C-G.
Other names: c.874C>G, p.Leu292Val (NM_148920.4); short protein forms L292V.
Identifiers: ClinVar variation 654825 (VCV000654825.3), dbSNP rs150145867, ClinGen allele CA7780014.

ClinVar aggregate classification (germline): Uncertain significance (1 of 4 stars; one submission).

Conditions:
Epilepsy. Also called: Seizure disorder. Identifiers: MedGen C0014544, MeSH D004827, MONDO:0005027.

Allele frequency attached by ClinVar (database versions not stated): gnomAD 0.00003 and 0.00004; TOPMed 0.00005; ESP Exome Variant Server 0.00008; gnomAD exomes 0.00008; ExAC 0.00025.
gnomAD v4.1: 55 of 1,549,764 alleles (0.0035%); highest among the groups gnomAD compares: Non-Finnish European, 0.0007%; no homozygotes.

Submission:

Labcorp Genetics (formerly Invitae), Labcorp
Classification: Uncertain significance for Epilepsy. Last evaluated: 2022-09-12. Review status: criteria provided, single submitter. Criteria: Invitae Variant Classification Sherloc (09022015). Collection method: clinical testing. Allele origin: germline.
Comment: This sequence change replaces leucine, which is neutral and non-polar, with valine, which is neutral and non-polar, at codon 292 of the PIGQ protein (p.Leu292Val). This variant is present in population databases (rs150145867, gnomAD 0.2%). This variant has not been reported in the literature in individuals affected with PIGQ-related conditions. ClinVar contains an entry for this variant (Variation ID: 654825). Algorithms developed to predict the effect of missense changes on protein structure and function are either unavailable or do not agree on the potential impact of this missense change (SIFT: "Deleterious"; PolyPhen-2: "Possibly Damaging"; Align-GVGD: "Class C0"). In summary, the available evidence is currently insufficient to determine the role of this variant in disease. Therefore, it has been classified as a Variant of Uncertain Significance.